The following is an entry in ClinVar:

ClinVar aggregate classification (germline): Likely benign (1 of 4 stars; one submission).

Allele frequency attached by ClinVar (database versions not stated): TOPMed 0.00001.

Submission:

GeneDx
Classification: Likely benign. Last evaluated: 2016-07-01. Review status: criteria provided, single submitter. Criteria: GeneDx Variant Classification (06012015). Collection method: clinical testing. Allele origin: germline. Affected: yes.
Comment: This variant is considered likely benign or benign based on one or more of the following criteria: it is a conservative change, it occurs at a poorly conserved position in the protein, it is predicted to be benign by multiple in silico algorithms, and/or has population frequency not consistent with disease.

NM_014795.4(ZEB2):c.*6T>G

Gene: ZEB2 (zinc finger E-box binding homeobox 2; minus strand). Cytogenetic location: 2q22.3.
Variant type: single nucleotide variant.
Coding change: c.*6T>G on transcript NM_014795.4 (MANE Select); 6 bases downstream of the stop codon, T replaced by G.
Molecular consequence: 3 prime UTR variant.
Genome position (GRCh38, 1-based): chr2:144,389,445, A>C on the plus strand (T>G on the coding strand, the complement: ZEB2 is on the minus strand). VCF-style: chr2-144389445-A-C. GRCh37 (hg19) VCF-style: chr2-145147012-A-C.
Other names: c.*6T>G (NM_001171653.2).
Identifiers: ClinVar variation 387314 (VCV000387314.1), dbSNP rs1057522759, ClinGen allele CA16603872.
Genomic context (GRCh38, chr2:144,389,445, plus strand): 5'-AGTGTTTTCAAGCAGGTAACAATACTACTGGAAAAAAAAATAGGAAGCTTAAAATGCAGT[A>C]GTTTATTACATGCCATCTTCCATATTGTCTTCCTCGTGGTCTGATTTGGTTTCCATTTTC-3'